The following is an entry in ClinVar:

NM_017739.4(POMGNT1):c.289C>T (p.Arg97Trp)

Gene: POMGNT1 (protein O-linked mannose N-acetylglucosaminyltransferase 1 (beta 1,2-); minus strand). Cytogenetic location: 1p34.1.
Variant type: single nucleotide variant.
Coding change: c.289C>T on transcript NM_017739.4 (MANE Select); coding-DNA position 289, C replaced by T.
Protein change: p.Arg97Trp; replaces arginine 97 with tryptophan.
Molecular consequence: missense variant. On other transcripts: 5 prime UTR variant (1).
Genome position (GRCh38, 1-based): chr1:46,196,796, G>A on the plus strand (C>T on the coding strand, the complement: POMGNT1 is on the minus strand). VCF-style: chr1-46196796-G-A. GRCh37 (hg19) VCF-style: chr1-46662468-G-A.
Other names: c.289C>T, p.Arg97Trp (NM_001243766.2, NM_001410783.1); c.223C>T, p.Arg75Trp (NM_001290129.3); c.-141C>T (NM_001290130.2); short protein forms R97W, R75W.
Identifiers: ClinVar variation 290011 (VCV000290011.21), dbSNP rs564076183, ClinGen allele CA833795.
Genomic context (GRCh38, chr1:46,196,796, plus strand): 5'-TGCCATCCACTGCCACATATACTTTGCTGCGACTTGAATACACCTCTACGTCCAGGACCC[G>A]CCGGGGACCACTGCCTCTGCGCCGTGGGGGCTCCAGGCGGCCTAGGGCCTCATCTGTGGG-3'
Protein context (NP_060209.4, residues 87-107): PPRRRGSGPR[Arg97Trp]VLDVEVYSSR

ClinVar aggregate classification (germline): Benign/Likely benign. Review status: criteria provided, multiple submitters, no conflicts (2 of 4 stars). 5 submissions from 5 submitters: Benign (1); Likely benign (4). Last evaluated 2026-04-01.

Conditions:
Muscular dystrophy-dystroglycanopathy (congenital with impaired intellectual development), type B, 3. Also called: Muscular dystrophy-dystroglycanopathy (congenital with intellectual disability), type B3; MUSCULAR DYSTROPHY, CONGENITAL, POMGNT1-RELATED. Identifiers: MedGen C3150412, MONDO:0013155, OMIM 613151.
Autosomal recessive limb-girdle muscular dystrophy type 2O. Also called: MUSCULAR DYSTROPHY-DYSTROGLYCANOPATHY, LIMB-GIRDLE, POMGNT1-RELATED; Limb-Girdle Muscular Dystrophy Type 3C; MUSCULAR DYSTROPHY-DYSTROGLYCANOPATHY (LIMB-GIRDLE), TYPE C, 3. Identifiers: Orphanet 206564, MedGen C3150417, MONDO:0013161, OMIM 613157.

Allele frequency attached by ClinVar (database versions not stated): gnomAD 0.00003 and 0.00011; ExAC 0.00041; 1000 Genomes Project 30x 0.00062; TOPMed 0.00003; gnomAD exomes 0.00031; 1000 Genomes Project 0.00060.
gnomAD v4.1: 222 of 1,614,206 alleles (0.014%); highest among the groups gnomAD compares: South Asian, 0.22%; 5 homozygotes.

Submissions (6):

CeGaT Center for Human Genetics Tuebingen
Classification: Likely benign. Last evaluated: 2026-04-01. Review status: criteria provided, single submitter. Criteria: CeGaT Center For Human Genetics Tuebingen Variant Classification Criteria Version 2. Collection method: clinical testing. Allele origin: germline. Affected: yes. Observed: 1 variant allele.
Comment: POMGNT1: BS2

Labcorp Genetics (formerly Invitae), Labcorp
Classification: Benign for Autosomal recessive limb-girdle muscular dystrophy type 2O; Muscular dystrophy-dystroglycanopathy (congenital with impaired intellectual development), type B, 3. Last evaluated: 2026-01-13. Review status: criteria provided, single submitter. Criteria: Invitae Variant Classification Sherloc (09022015). Collection method: clinical testing. Allele origin: germline.

Blueprint Genetics
Classification: Likely benign. Last evaluated: 2024-06-25. Review status: criteria provided, single submitter. Criteria: ACMG Guidelines, 2015. Collection method: clinical testing. Allele origin: germline.

Revvity Omics, Revvity
Classification: Likely benign. Last evaluated: 2023-11-17. Review status: criteria provided, single submitter. Criteria: ACMG Guidelines, 2015. Collection method: clinical testing. Allele origin: germline.

Eurofins Ntd Llc (ga)
Classification: Likely benign. Last evaluated: 2016-08-04. Review status: criteria provided, single submitter. Criteria: EGL Classification Definitions 2015. Collection method: clinical testing. Allele origin: germline. Observed: 1 variant allele, 1 heterozygote.

Dr. Peter K. Rogan Lab, Western University
No classification provided (evidence only). Condition: Malignant tumor of esophagus. Review status: no classification provided. Collection method: in vitro. Allele origin: not applicable. Functional consequence: skipped exon, retained intron. Not counted in ClinVar's aggregate classification.